The following is an entry in ClinVar:

ClinVar aggregate classification (germline): Pathogenic (1 of 4 stars; one submission).

Conditions:
Epidermolysis bullosa simplex with nail dystrophy (EBS5D). Identifiers: MedGen C4225309, MONDO:0014661, OMIM 616487.
Epidermolysis bullosa simplex 5C, with pyloric atresia (EBS5C). Also called: PLEC-Related Epidermolysis Bullosa with Pyloric Atresia; Epidermolysis bullosa simplex with pyloric atresia; PLEC1-Related Epidermolysis Bullosa with Pyloric Atresia. Identifiers: Orphanet 158684, MedGen C2677349, MONDO:0012807, OMIM 612138.
Autosomal recessive limb-girdle muscular dystrophy type 2Q (LGMDR17). Also called: MUSCULAR DYSTROPHY, LIMB-GIRDLE, AUTOSOMAL RECESSIVE 17. Identifiers: Orphanet 254361, MedGen C3150989, MONDO:0013390, OMIM 613723.
Epidermolysis bullosa simplex 5B, with muscular dystrophy (EBS5B). Also called: Epidermolysis bullosa simplex with muscular dystrophy; EPIDERMOLYSIS BULLOSA SIMPLEX AND LIMB-GIRDLE MUSCULAR DYSTROPHY. Identifiers: Orphanet 257, MedGen C2931072, MONDO:0009181, OMIM 226670.
Epidermolysis bullosa simplex, Ogna type (EBS5A). Also called: Pidermolysis bullosa simplex 5A, Ogna type; EPIDERMOLYSIS BULLOSA SIMPLEX 5A, OGNA TYPE. Identifiers: Orphanet 79401, MedGen C0432317, MONDO:0007555, OMIM 131950.

Submission:

Labcorp Genetics (formerly Invitae), Labcorp
Classification: Pathogenic for Autosomal recessive limb-girdle muscular dystrophy type 2Q; Epidermolysis bullosa simplex, Ogna type; Epidermolysis bullosa simplex with nail dystrophy; Epidermolysis bullosa simplex 5C, with pyloric atresia; Epidermolysis bullosa simplex 5B, with muscular dystrophy. Last evaluated: 2022-10-04. Review status: criteria provided, single submitter. Criteria: Invitae Variant Classification Sherloc (09022015). Collection method: clinical testing. Allele origin: germline.
Comment: For these reasons, this variant has been classified as Pathogenic. ClinVar contains an entry for this variant (Variation ID: 1456815). This variant has not been reported in the literature in individuals affected with PLEC-related conditions. This variant is not present in population databases (gnomAD no frequency). This sequence change creates a premature translational stop signal (p.Gln1319*) in the PLEC gene. It is expected to result in an absent or disrupted protein product. Loss-of-function variants in PLEC are known to be pathogenic (PMID: 20301336, 20447487, 21109228, 23289980, 28824526).

Literature cited by the submitters: PubMed 20301336; PubMed 20447487; PubMed 21109228; PubMed 23289980; PubMed 28824526.

NM_201384.3(PLEC):c.3874C>T (p.Gln1292Ter)

Gene: PLEC (plectin; minus strand). Cytogenetic location: 8q24.3.
Variant type: single nucleotide variant.
Coding change: c.3874C>T on transcript NM_201384.3 (MANE Select); coding-DNA position 3874, C replaced by T.
Protein change: p.Gln1292Ter; replaces glutamine 1292 with a stop codon.
Molecular consequence: nonsense.
Genome position (GRCh38, 1-based): chr8:143,927,048, G>A on the plus strand (C>T on the coding strand, the complement: PLEC is on the minus strand). VCF-style: chr8-143927048-G-A. GRCh37 (hg19) VCF-style: chr8-145001216-G-A.
Other names: c.3955C>T, p.Gln1319Ter (NM_000445.5); c.3832C>T, p.Gln1278Ter (NM_201378.4); c.3808C>T, p.Gln1270Ter (NM_201379.3); c.4285C>T, p.Gln1429Ter (NM_201380.4); c.3778C>T, p.Gln1260Ter (NM_201381.3); c.3874C>T, p.Gln1292Ter (NM_201382.4); c.3886C>T, p.Gln1296Ter (NM_201383.3); short protein forms Q1260*, Q1296*, Q1270*, Q1278*, Q1292*, Q1319*, Q1429*.
Identifiers: ClinVar variation 1456815 (VCV001456815.6), dbSNP rs2131581257, ClinGen allele CA372563906.